The following is an entry in ClinVar:

NM_030773.4(TUBB1):c.151T>C (p.Tyr51His)

Gene: TUBB1 (tubulin beta 1 class VI; plus strand). Cytogenetic location: 20q13.32.
Variant type: single nucleotide variant.
Coding change: c.151T>C on transcript NM_030773.4 (MANE Select); coding-DNA position 151, T replaced by C.
Protein change: p.Tyr51His; replaces tyrosine 51 with histidine.
Molecular consequence: missense variant.
Genome position (GRCh38, 1-based): chr20:59,022,938, T>C. VCF-style: chr20-59022938-T-C. GRCh37 (hg19) VCF-style: chr20-57597993-T-C.
Other names: short protein forms Y51H.
Identifiers: ClinVar variation 2753580 (VCV002753580.3), dbSNP rs2515915825, ClinGen allele CA409466290.
Genomic context (GRCh38, chr20:59,022,938, plus strand): 5'-GACTTGGCTGGGAGCGACCGCGGGGCCTCGGCCTTGCAGCTGGAGAGAATCAGCGTGTAC[T>C]ACAACGAAGCCTACGGTAGGACTGGCGGGGCTCTGGGAGCAGTGGTCCCGCAACTGGGAA-3'
Protein context (NP_110400.1, residues 41-61): ALQLERISVY[Tyr51His]NEAYGRKYVP

ClinVar aggregate classification (germline): Uncertain significance (1 of 4 stars; one submission).

Submission:

Labcorp Genetics (formerly Invitae), Labcorp
Classification: Uncertain significance. Last evaluated: 2023-08-17. Review status: criteria provided, single submitter. Criteria: Invitae Variant Classification Sherloc (09022015). Collection method: clinical testing. Allele origin: germline.
Comment: This sequence change replaces tyrosine, which is neutral and polar, with histidine, which is basic and polar, at codon 51 of the TUBB1 protein (p.Tyr51His). This variant is not present in population databases (gnomAD no frequency). This variant has not been reported in the literature in individuals affected with TUBB1-related conditions. Advanced modeling of protein sequence and biophysical properties (such as structural, functional, and spatial information, amino acid conservation, physicochemical variation, residue mobility, and thermodynamic stability) performed at Invitae indicates that this missense variant is expected to disrupt TUBB1 protein function. In summary, the available evidence is currently insufficient to determine the role of this variant in disease. Therefore, it has been classified as a Variant of Uncertain Significance.